The following is an entry in ClinVar:

NM_006267.5(RANBP2):c.6728T>C (p.Val2243Ala)

Gene: RANBP2 (RAN binding protein 2; plus strand). Cytogenetic location: 2q13.
Variant type: single nucleotide variant.
Coding change: c.6728T>C on transcript NM_006267.5 (MANE Select); coding-DNA position 6728, T replaced by C.
Protein change: p.Val2243Ala; replaces valine 2243 with alanine.
Molecular consequence: missense variant.
Genome position (GRCh38, 1-based): chr2:108,767,267, T>C. VCF-style: chr2-108767267-T-C. GRCh37 (hg19) VCF-style: chr2-109383723-T-C.
Other names: c.6728T>C (NM_006267.4); short protein forms V2243A.
Identifiers: ClinVar variation 1063224 (VCV001063224.12), dbSNP rs149880163, ClinGen allele CA1823482.

ClinVar aggregate classification (germline): Conflicting classifications of pathogenicity. Review status: criteria provided, conflicting classifications (1 of 4 stars). 3 submissions from 3 submitters: Uncertain significance (2); Likely benign (1). Last evaluated 2025-02-22.

Conditions:
Familial acute necrotizing encephalopathy (IIAE3). Also called: ENCEPHALOPATHY, ACUTE, INFECTION-INDUCED, SUSCEPTIBILITY TO, 3; Susceptibility to Acute Necrotizing Encephalopathy 1. Identifiers: Orphanet 88619, MedGen C2675556, MONDO:0011953, OMIM 608033.

Allele frequency attached by ClinVar (database versions not stated): ExAC 0.00002; gnomAD 0.00004 and 0.00005; TOPMed 0.00006; gnomAD exomes 0.00007 and 0.00019; ESP Exome Variant Server 0.00015.
gnomAD v4.1: 273 of 1,611,956 alleles (0.017%); highest among the groups gnomAD compares: Non-Finnish European, 0.022%; 1 homozygote.

Submissions (3):

Ambry Genetics
Classification: Uncertain significance. Last evaluated: 2025-02-22. Review status: criteria provided, single submitter. Criteria: Ambry Variant Classification Scheme 2023. Collection method: clinical testing. Allele origin: germline.

Blueprint Genetics
Classification: Likely benign. Last evaluated: 2024-11-13. Review status: criteria provided, single submitter. Criteria: ACMG Guidelines, 2015. Collection method: clinical testing. Allele origin: germline.

Labcorp Genetics (formerly Invitae), Labcorp
Classification: Uncertain significance for Familial acute necrotizing encephalopathy. Last evaluated: 2020-02-04. Review status: criteria provided, single submitter. Criteria: Invitae Variant Classification Sherloc (09022015). Collection method: clinical testing. Allele origin: germline.
Comment: Algorithms developed to predict the effect of missense changes on protein structure and function (SIFT, PolyPhen-2, Align-GVGD) all suggest that this variant is likely to be disruptive, but these predictions have not been confirmed by published functional studies and their clinical significance is uncertain. This variant has not been reported in the literature in individuals with RANBP2-related conditions. This variant is present in population databases (rs149880163, ExAC 0.004%). This sequence change replaces valine with alanine at codon 2243 of the RANBP2 protein (p.Val2243Ala). The valine residue is highly conserved and there is a small physicochemical difference between valine and alanine. In summary, the available evidence is currently insufficient to determine the role of this variant in disease. Therefore, it has been classified as a Variant of Uncertain Significance.